The following is an entry in ClinVar:

NM_032387.5(WNK4):c.1444C>T (p.Arg482Trp)

Gene: WNK4 (WNK lysine deficient protein kinase 4; plus strand). Cytogenetic location: 17q21.2.
Variant type: single nucleotide variant.
Coding change: c.1444C>T on transcript NM_032387.5 (MANE Select); coding-DNA position 1444, C replaced by T.
Protein change: p.Arg482Trp; replaces arginine 482 with tryptophan.
Molecular consequence: missense variant.
Genome position (GRCh38, 1-based): chr17:42,785,450, C>T. VCF-style: chr17-42785450-C-T. GRCh37 (hg19) VCF-style: chr17-40937468-C-T.
Other names: c.436C>T, p.Arg146Trp (NM_001321299.2); short protein forms R482W, R146W.
Identifiers: ClinVar variation 64596 (VCV000064596.2), dbSNP rs387907556, ClinGen allele CA216478.

ClinVar aggregate classification (germline): Uncertain significance (0 of 4 stars; one submission).

Allele frequency attached by ClinVar (database versions not stated): gnomAD exomes 0.00001.

Submission:

Martin Pollak Laboratory,  Beth Israel Deaconess Medical Center
Classification: Uncertain significance. Review status: no assertion criteria provided. Collection method: not provided. Allele origin: unknown.
Comment: Lower and higher UCa2+ groups
ClinVar note: Converted during submission from unknown to Uncertain significance.